The following is an entry in ClinVar:

NM_198253.3(TERT):c.1283G>T (p.Arg428Leu)

Gene: TERT (telomerase reverse transcriptase; minus strand). Cytogenetic location: 5p15.33.
Variant type: single nucleotide variant.
Coding change: c.1283G>T on transcript NM_198253.3 (MANE Select); coding-DNA position 1283, G replaced by T.
Protein change: p.Arg428Leu; replaces arginine 428 with leucine.
Molecular consequence: missense variant. On other transcripts: non-coding transcript variant (2).
Genome position (GRCh38, 1-based): chr5:1,293,603, C>A on the plus strand (G>T on the coding strand, the complement: TERT is on the minus strand). VCF-style: chr5-1293603-C-A. GRCh37 (hg19) VCF-style: chr5-1293718-C-A.
Other names: c.1283G>T, p.Arg428Leu (NM_001193376.3); short protein forms R428L.
Identifiers: ClinVar variation 3967383 (VCV003967383.1).

ClinVar aggregate classification (germline): Uncertain significance (1 of 4 stars; one submission).

Conditions:
Dyskeratosis congenita. Identifiers: Orphanet 1775, MedGen C0265965, MONDO:0015780.

Submission:

Ambry Genetics
Classification: Uncertain significance for Dyskeratosis congenita. Last evaluated: 2025-05-31. Review status: criteria provided, single submitter. Criteria: Ambry Variant Classification Scheme 2023. Collection method: clinical testing. Allele origin: germline.
Comment: The p.R428L variant (also known as c.1283G>T), located in coding exon 2 of the TERT gene, results from a G to T substitution at nucleotide position 1283. The arginine at codon 428 is replaced by leucine, an amino acid with dissimilar properties. This amino acid position is conserved. In addition, this alteration is predicted to be tolerated by in silico analysis. Based on the available evidence, the clinical significance of this variant remains unclear.